The following is an entry in ClinVar:

ClinVar aggregate classification (germline): Conflicting classifications of pathogenicity. Review status: criteria provided, conflicting classifications (1 of 4 stars). 4 submissions from 4 submitters: Uncertain significance (1); Likely benign (3). Last evaluated 2025-11-04.

Conditions:
Autosomal recessive ataxia, Beauce type. Also called: Spinocerebellar ataxia, autosomal recessive 8; ATAXIA, RECESSIVE, OF BEAUCE; SYNE1 Deficiency; SYNE1-Related Autosomal Recessive Cerebellar Ataxia. Identifiers: Orphanet 88644, MedGen C1853116, MONDO:0012549, OMIM 610743.
Emery-Dreifuss muscular dystrophy 4, autosomal dominant (EDMD4). Also called: EMERY-DREIFUSS MUSCULAR DYSTROPHY 4 WITH VARIABLE FEATURES. Identifiers: Orphanet 261, MedGen C2751807, MONDO:0013071, OMIM 612998.

Submissions (4):

Labcorp Genetics (formerly Invitae), Labcorp
Classification: Likely benign for Emery-Dreifuss muscular dystrophy 4, autosomal dominant; Autosomal recessive ataxia, Beauce type. Last evaluated: 2025-11-04. Review status: criteria provided, single submitter. Criteria: Invitae Variant Classification Sherloc (09022015). Collection method: clinical testing. Allele origin: germline.

Athena Diagnostics
Classification: Likely benign. Last evaluated: 2020-11-19. Review status: criteria provided, single submitter. Criteria: Athena Diagnostics criteria. Collection method: clinical testing. Allele origin: unknown.

GeneDx
Classification: Likely benign. Last evaluated: 2017-06-15. Review status: criteria provided, single submitter. Criteria: GeneDx Variant Classification (06012015). Collection method: clinical testing. Allele origin: germline. Affected: yes.
Comment: This variant is considered likely benign or benign based on one or more of the following criteria: it is a conservative change, it occurs at a poorly conserved position in the protein, it is predicted to be benign by multiple in silico algorithms, and/or has population frequency not consistent with disease.

Eurofins Ntd Llc (ga)
Classification: Uncertain significance. Last evaluated: 2016-09-11. Review status: criteria provided, single submitter. Criteria: EGL Classification Definitions. Collection method: clinical testing. Allele origin: germline. Observed: 1 variant allele, 1 heterozygote.

NM_182961.3(SYNE1):c.23146-7dup

Gene: SYNE1 (spectrin repeat containing nuclear envelope protein 1; minus strand). Cytogenetic location: 6q25.2.
Variant type: Duplication.
Coding change: c.23146-7dup on transcript NM_182961.3; 7 bases into the intron before coding-DNA position 23146, one base duplicated (T; older notation c.23146-7dupT).
Molecular consequence: intron variant (on NM_182961.4).
Genome position (GRCh38, 1-based): chr6:152,189,414, A duplicated on the plus strand (T on the coding strand, the reverse complement: SYNE1 is on the minus strand); the first of 7 consecutive A bases (chr6:152,189,414-152,189,420); duplicating any one gives the same sequence. VCF-style (leftmost placement, unchanged base first): chr6-152189413-T-TA. GRCh37 (hg19) VCF-style: chr6-152510548-T-TA.
Other names: c.22933-7dupT (NM_033071.3); c.23146-7dup (NM_182961.4, NM_182961.2); c.22933-7dup (NM_033071.5).
Identifiers: ClinVar variation 290263 (VCV000290263.14), dbSNP rs770820426, ClinGen allele CA4053672.